The following is an entry in ClinVar:

ClinVar aggregate classification (germline): Uncertain significance. Review status: criteria provided, multiple submitters, no conflicts (2 of 4 stars). 2 submissions from 2 submitters: Uncertain significance (2). Last evaluated 2022-09-05.

Conditions:
2-aminoadipic 2-oxoadipic aciduria (AAKAD). Also called: ALPHA-AMINOADIPIC AND ALPHA-KETOADIPIC ACIDURIA; Aminoadipic aciduria. Identifiers: Orphanet 79154, MedGen C1859817, MONDO:0008774, OMIM 204750.

Submissions (2):

Labcorp Genetics (formerly Invitae), Labcorp
Classification: Uncertain significance for 2-aminoadipic 2-oxoadipic aciduria. Last evaluated: 2022-09-05. Review status: criteria provided, single submitter. Criteria: Invitae Variant Classification Sherloc (09022015). Collection method: clinical testing. Allele origin: germline.
Comment: In summary, the available evidence is currently insufficient to determine the role of this variant in disease. Therefore, it has been classified as a Variant of Uncertain Significance. Algorithms developed to predict the effect of missense changes on protein structure and function (SIFT, PolyPhen-2, Align-GVGD) all suggest that this variant is likely to be tolerated. ClinVar contains an entry for this variant (Variation ID: 1163326). This variant has not been reported in the literature in individuals affected with DHTKD1-related conditions. This variant is not present in population databases (gnomAD no frequency). This sequence change replaces proline, which is neutral and non-polar, with threonine, which is neutral and polar, at codon 43 of the DHTKD1 protein (p.Pro43Thr).

Mayo Clinic Laboratories, Mayo Clinic
Classification: Uncertain significance. Last evaluated: 2020-02-24. Review status: criteria provided, single submitter. Criteria: ACMG Guidelines, 2015. Collection method: clinical testing. Allele origin: germline. Observed: 1 variant allele.

NM_018706.7(DHTKD1):c.127C>A (p.Pro43Thr)

Genes: DHTKD1 (dehydrogenase E1 and transketolase domain containing 1; plus strand), LOC130003343 (ATAC-STARR-seq lymphoblastoid silent region 2137; plus strand). Cytogenetic location: 10p14.
Variant type: single nucleotide variant.
Coding change: c.127C>A on transcript NM_018706.7 (MANE Select); coding-DNA position 127, C replaced by A.
Protein change: p.Pro43Thr; replaces proline 43 with threonine.
Molecular consequence: missense variant.
Genome position (GRCh38, 1-based): chr10:12,069,160, C>A. VCF-style: chr10-12069160-C-A. GRCh37 (hg19) VCF-style: chr10-12111159-C-A.
Other names: short protein forms P43T.
Identifiers: ClinVar variation 1163326 (VCV001163326.10), dbSNP rs2131342394, ClinGen allele CA376012148.
Genomic context (GRCh38, chr10:12,069,160, plus strand): 5'-GGCTACCAGACCGAGCGGGGCGTTTACGGCTACCGGCCGAGGAAGCCCGAGAGCCGCGAG[C>A]CCCAGGGCGCCCTGGAGCGCCCCCCAGGTCGGGGATGGGGCCCGGGCGGTGGGAGCGGGG-3'
Protein context (NP_061176.4, residues 33-53): YRPRKPESRE[Pro43Thr]QGALERPPVD